The following is an entry in ClinVar:

NM_001130009.3(GEN1):c.181T>G (p.Ser61Ala)

Gene: GEN1 (GEN1 structure-specific endonuclease; plus strand). Cytogenetic location: 2p24.2.
Variant type: single nucleotide variant.
Coding change: c.181T>G on transcript NM_001130009.3 (MANE Select); coding-DNA position 181, T replaced by G.
Protein change: p.Ser61Ala; replaces serine 61 with alanine.
Molecular consequence: missense variant.
Genome position (GRCh38, 1-based): chr2:17,761,415, T>G. VCF-style: chr2-17761415-T-G. GRCh37 (hg19) VCF-style: chr2-17942682-T-G.
Other names: c.181T>G, p.Ser61Ala (NM_182625.5); short protein forms S61A.
Identifiers: ClinVar variation 5022302 (VCV005022302.1).

ClinVar aggregate classification (germline): Uncertain significance (1 of 4 stars; one submission).

Submission:

Ambry Genetics
Classification: Uncertain significance. Last evaluated: 2026-07-13. Review status: criteria provided, single submitter. Criteria: Ambry Variant Classification Scheme 2023. Collection method: clinical testing. Allele origin: germline.
Comment: The p.S61A variant (also known as c.181T>G), located in coding exon 2 of the GEN1 gene, results from a T to G substitution at nucleotide position 181. The serine at codon 61 is replaced by alanine, an amino acid with similar properties. This amino acid position is conserved. In addition, the in silico prediction for this alteration is inconclusive. Based on the available evidence, the clinical significance of this variant remains unclear.